The following is an entry in ClinVar:

ClinVar aggregate classification (germline): Uncertain significance (1 of 4 stars; one submission).

Conditions:
SMS-related disorder. Also called: SMS-related condition.

gnomAD v4.1: 13 of 1,185,381 alleles (0.0011%); highest among the groups gnomAD compares: South Asian, 0.0053%; no homozygotes.

Submission:

PreventionGenetics, part of Exact Sciences
Classification: Uncertain significance for SMS-related condition. Last evaluated: 2025-07-02. Review status: criteria provided, single submitter. Criteria: ACMG Guidelines, 2015. Collection method: clinical testing. Allele origin: germline.
Comment: The SMS c.179A>G variant is predicted to result in the amino acid substitution p.Asn60Ser. To our knowledge, this variant has not been reported in the literature. This variant is reported in 0.010% of alleles in individuals of South Asian descent in gnomAD including a hemizygous individual. Although we suspect that this variant may be benign, at this time, the clinical significance of this variant is uncertain due to the absence of conclusive functional and genetic evidence.

NM_004595.5(SMS):c.179A>G (p.Asn60Ser)

Gene: SMS (spermine synthase; plus strand). Cytogenetic location: Xp22.11.
Variant type: single nucleotide variant.
Coding change: c.179A>G on transcript NM_004595.5 (MANE Select); coding-DNA position 179, A replaced by G.
Protein change: p.Asn60Ser; replaces asparagine 60 with serine.
Molecular consequence: missense variant. On other transcripts: intron variant (1).
Genome position (GRCh38, 1-based): chrX:21,971,905, A>G. VCF-style: chrX-21971905-A-G. GRCh37 (hg19) VCF-style: chrX-21990023-A-G.
Other names: c.170+4589A>G (NM_001258423.2); short protein forms N60S.
Identifiers: ClinVar variation 4977395 (VCV004977395.1).
Genomic context (GRCh38, chrX:21,971,905, plus strand): 5'-TTTTAATGCCCCGATACAATTCTTAAGCTTAAAATTATATTTTCCTTTGTAGCTTTGCCA[A>G]TTTGAGAATTTACCCACATGGATTGGTGTTGCTGGACCTTCAGAGTTATGATGGTGATGC-3'
Protein context (NP_004586.2, residues 50-70): TYTNKNGSFA[Asn60Ser]LRIYPHGLVL